The following is an entry in ClinVar:

ClinVar aggregate classification (germline): Uncertain significance (1 of 4 stars; one submission).

Submission:

GeneDx
Classification: Uncertain significance. Last evaluated: 2023-01-04. Review status: criteria provided, single submitter. Criteria: GeneDx Variant Classification Process June 2021. Collection method: clinical testing. Allele origin: germline. Affected: yes.
Comment: Not observed at significant frequency in large population cohorts (gnomAD); In silico analysis supports that this missense variant does not alter protein structure/function; Has not been previously published as pathogenic or benign to our knowledge

NM_007118.4(TRIO):c.217G>A (p.Val73Ile)

Gene: TRIO (trio Rho guanine nucleotide exchange factor; plus strand). Cytogenetic location: 5p15.2.
Variant type: single nucleotide variant.
Coding change: c.217G>A on transcript NM_007118.4 (MANE Select); coding-DNA position 217, G replaced by A.
Protein change: p.Val73Ile; replaces valine 73 with isoleucine.
Molecular consequence: missense variant. On other transcripts: non-coding transcript variant (1).
Genome position (GRCh38, 1-based): chr5:14,270,884, G>A. VCF-style: chr5-14270884-G-A. GRCh37 (hg19) VCF-style: chr5-14270993-G-A.
Other names: short protein forms V73I.
Identifiers: ClinVar variation 2571703 (VCV002571703.1), dbSNP rs1158098621, ClinGen allele CA359193412.